The following is an entry in ClinVar:

ClinVar aggregate classification (germline): Uncertain significance (1 of 4 stars; one submission).

Allele frequency attached by ClinVar (database versions not stated): gnomAD exomes below 0.00001 and 0.00001; gnomAD 0.00001.

Submission:

GeneDx
Classification: Uncertain significance. Last evaluated: 2019-09-12. Review status: criteria provided, single submitter. Criteria: GeneDx Variant Classification Process June 2021. Collection method: clinical testing. Allele origin: germline. Affected: yes.
Comment: Not observed at a significant frequency in large population cohorts (Lek et al., 2016); In silico analysis, which includes protein predictors and evolutionary conservation, supports a deleterious effect; Has not been previously published as pathogenic or benign to our knowledge

NM_000179.3(MSH6):c.3021G>C (p.Trp1007Cys)

Gene: MSH6 (mutS homolog 6; plus strand). Cytogenetic location: 2p16.3.
Variant type: single nucleotide variant.
Coding change: c.3021G>C on transcript NM_000179.3 (MANE Select); coding-DNA position 3021, G replaced by C.
Protein change: p.Trp1007Cys; replaces tryptophan 1007 with cysteine.
Molecular consequence: missense variant.
Genome position (GRCh38, 1-based): chr2:47,801,004, G>C. VCF-style: chr2-47801004-G-C. GRCh37 (hg19) VCF-style: chr2-48028143-G-C.
Other names: c.2631G>C, p.Trp877Cys (NM_001281492.2); c.2115G>C, p.Trp705Cys (NM_001281493.2, NM_001281494.2); short protein forms W1007C, W705C, W877C.
Identifiers: ClinVar variation 1315773 (VCV001315773.2), dbSNP rs587779253, ClinGen allele CA011375.